The following is an entry in ClinVar:

ClinVar aggregate classification (germline): Uncertain significance (1 of 4 stars; one submission).

Submission:

GeneDx
Classification: Uncertain significance. Last evaluated: 2023-08-02. Review status: criteria provided, single submitter. Criteria: GeneDx Variant Classification Process June 2021. Collection method: clinical testing. Allele origin: germline. Affected: yes.
Comment: Not observed at significant frequency in large population cohorts (gnomAD); Has not been previously published as pathogenic or benign to our knowledge; Frameshift variant predicted to result in protein truncation or nonsense mediated decay in a gene or region of a gene for which loss of function is not a well-established mechanism of disease

NM_173500.4(TTBK2):c.1818del (p.Asn606fs)

Gene: TTBK2 (tau tubulin kinase 2; minus strand). Cytogenetic location: 15q15.2.
Variant type: Deletion.
Coding change: c.1818del on transcript NM_173500.4 (MANE Select); coding-DNA position 1818, one base deleted (T; older notation c.1818delT).
Protein change: p.Asn606fs; shifts the reading frame from asparagine 606.
Molecular consequence: frameshift variant.
Genome position (GRCh38, 1-based): chr15:42,775,315, A deleted on the plus strand (T on the coding strand, the reverse complement: TTBK2 is on the minus strand). VCF-style (leftmost placement, unchanged base first): chr15-42775314-CA-C. GRCh37 (hg19) VCF-style: chr15-43067512-CA-C.
Other names: c.1818delT, p.Asn606Lysfs (NM_173500.3); short protein forms N606fs.
Identifiers: ClinVar variation 2574741 (VCV002574741.1), dbSNP rs2506525790, ClinGen allele CA2580613800.